The following is an entry in ClinVar:

ClinVar aggregate classification (germline): Uncertain significance. Review status: criteria provided, multiple submitters, no conflicts (2 of 4 stars). 6 submissions from 6 submitters: Uncertain significance (5). 1 of the submissions does not count toward it. Last evaluated 2025-11-18.

Conditions:
RYR1-related disorder. Also called: RYR1-related disorders; RYR1-related condition. Identifiers: MedGen CN239331.
Central core myopathy (CMYO1A). Also called: CONGENITAL MYOPATHY 1A, AUTOSOMAL DOMINANT, WITH SUSCEPTIBILITY TO MALIGNANT HYPERTHERMIA; Central core disease; Myopathy, central fibrillar. Identifiers: Orphanet 597, MedGen C5830701, MONDO:0007294, OMIM 117000.
Malignant hyperthermia, susceptibility to, 1 (MHS1). Also called: RYR1-Related Malignant Hyperthermia Susceptibility; Anesthesia related hyperthermia; Malignant hyperpyrexia; Fulminating hyperpyrexia; Pharmacogenic myopathy; Malignant hyperthermia suceptibility 1. Identifiers: Orphanet 423, MedGen C2930980, MONDO:0007783, OMIM 145600.

Allele frequency attached by ClinVar (database versions not stated): TOPMed 0.00002; ExAC 0.00003.
gnomAD v4.1: 18 of 1,614,048 alleles (0.0011%); highest among the groups gnomAD compares: South Asian, 0.012%; no homozygotes.

Submissions (6):

Labcorp Genetics (formerly Invitae), Labcorp
Classification: Uncertain significance for RYR1-related disorder. Last evaluated: 2025-11-18. Review status: criteria provided, single submitter. Criteria: Invitae Variant Classification Sherloc (09022015). Collection method: clinical testing. Allele origin: germline.
Comment: This sequence change replaces methionine, which is neutral and non-polar, with valine, which is neutral and non-polar, at codon 3652 of the RYR1 protein (p.Met3652Val). This variant is present in population databases (rs769081932, gnomAD 0.03%). This variant has not been reported in the literature in individuals affected with RYR1-related conditions. ClinVar contains an entry for this variant (Variation ID: 2689890). Invitae Evidence Modeling of protein sequence and biophysical properties (such as structural, functional, and spatial information, amino acid conservation, physicochemical variation, residue mobility, and thermodynamic stability) indicates that this missense variant is not expected to disrupt RYR1 protein function with a negative predictive value of 80%. In summary, the available evidence is currently insufficient to determine the role of this variant in disease. Therefore, it has been classified as a Variant of Uncertain Significance.

PreventionGenetics, part of Exact Sciences
Classification: Uncertain significance for RYR1-related condition. Last evaluated: 2025-06-04. Review status: criteria provided, single submitter. Criteria: ACMG Guidelines, 2015. Collection method: clinical testing. Allele origin: germline.
Comment: The RYR1 c.10954A>G variant is predicted to result in the amino acid substitution p.Met3652Val. To our knowledge, this variant has not been reported in the literature. This variant is reported in 0.029% of alleles in individuals of South Asian descent in gnomAD. At this time, the clinical significance of this variant is uncertain due to the absence of conclusive functional and genetic evidence.

All of Us Research Program, National Institutes of Health
Classification: Uncertain significance for Malignant hyperthermia, susceptibility to, 1. Last evaluated: 2023-12-13. Review status: criteria provided, single submitter. Criteria: ACMG Guidelines, 2015. Collection method: clinical testing. Allele origin: germline. Inheritance: Autosomal dominant inheritance. Observed: 2 variant alleles, 2 heterozygotes.
Comment: This missense variant replaces methionine with valine at codon 3652 of the RYR1 protein. Computational prediction is inconclusive regarding the impact of this variant on protein structure and function (internally defined REVEL score threshold 0.5 < inconclusive < 0.7, PMID: 27666373). To our knowledge, functional studies have not been reported for this variant. This variant has not been reported in individuals affected with RYR1-related disorders in the literature. This variant has been identified in 11/282794 chromosomes in the general population by the Genome Aggregation Database (gnomAD). The available evidence is insufficient to determine the role of this variant in disease conclusively. Therefore, this variant is classified as a Variant of Uncertain Significance.

This study involves interpretation of variants in research participants for the purpose of population health screening. Participant phenotype was not available at the time of variant classification. Additional details can be found in publication PMID: 35346344, PMCID: PMC8962531

Color Diagnostics, LLC DBA Color Health
Classification: Uncertain significance for Malignant hyperthermia, susceptibility to, 1. Last evaluated: 2023-11-15. Review status: criteria provided, single submitter. Criteria: ACMG Guidelines, 2015. Collection method: clinical testing. Allele origin: germline.
Comment: This missense variant replaces methionine with valine at codon 3652 of the RYR1 protein. Computational prediction is inconclusive regarding the impact of this variant on protein structure and function. To our knowledge, functional studies have not been reported for this variant. This variant has not been reported in individuals affected with RYR1-related disorders in the literature. This variant has been identified in 11/282794 chromosomes in the general population by the Genome Aggregation Database (gnomAD). The available evidence is insufficient to determine the role of this variant in disease conclusively. Therefore, this variant is classified as a Variant of Uncertain Significance.

Revvity Omics, Revvity
Classification: Uncertain significance. Last evaluated: 2023-04-07. Review status: criteria provided, single submitter. Criteria: ACMG Guidelines, 2015. Collection method: clinical testing. Allele origin: germline.

Hong-Tao Li Lab, Institute of Brain Science and Brain-inspired Research, Shandong First Medical University & Shandong Academy of Medical Sciences China
Classification: Uncertain significance for Central core myopathy. Review status: no assertion criteria provided. Collection method: research. Allele origin: germline. Inheritance: Autosomal dominant inheritance. Affected: yes. Observed: 1 variant allele, 1 heterozygote. Not counted in ClinVar's aggregate classification.
Comment: Observed in affected individuals from a Pakistani neurodevelopmental-disorder research cohort of 263 individuals. Classification assigned using the ACMG/AMP framework. Population-frequency evidence: gnomAD AF 3.89e-05.

NM_000540.3(RYR1):c.10954A>G (p.Met3652Val)

Gene: RYR1 (ryanodine receptor 1; plus strand). Cytogenetic location: 19q13.2.
Variant type: single nucleotide variant.
Coding change: c.10954A>G on transcript NM_000540.3 (MANE Select); coding-DNA position 10954, A replaced by G.
Protein change: p.Met3652Val; replaces methionine 3652 with valine.
Molecular consequence: missense variant.
Genome position (GRCh38, 1-based): chr19:38,528,615, A>G. VCF-style: chr19-38528615-A-G. GRCh37 (hg19) VCF-style: chr19-39019255-A-G.
Other names: c.10939A>G, p.Met3647Val (NM_001042723.2); short protein forms M3647V, M3652V.
Identifiers: ClinVar variation 2689890 (VCV002689890.6), dbSNP rs769081932, ClinGen allele CA055470.